The following is an entry in ClinVar:

NM_032607.3(CREB3L3):c.890+2dup

Gene: CREB3L3 (cAMP responsive element binding protein 3 like 3; plus strand). Cytogenetic location: 19p13.3.
Variant type: Duplication.
Coding change: c.890+2dup on transcript NM_032607.3 (MANE Select); the canonical splice donor site of the intron after coding-DNA position 890, one base duplicated (T; older notation c.890+2dupT).
Molecular consequence: splice donor variant.
Genome position (GRCh38, 1-based): chr19:4,170,210, T duplicated. VCF-style (leftmost placement, unchanged base first): chr19-4170209-G-GT. GRCh37 (hg19) VCF-style: chr19-4170206-G-GT.
Other names: c.783+2dup (NM_001271997.2); c.884+2dup (NM_001271996.2); c.887+2dup (NM_001271995.2).
Identifiers: ClinVar variation 2822194 (VCV002822194.3), dbSNP rs1295629299, ClinGen allele CA631545418.

ClinVar aggregate classification (germline): Uncertain significance (1 of 4 stars; one submission).

Allele frequency attached by ClinVar (database versions not stated): gnomAD 0.00001.

Submission:

Labcorp Genetics (formerly Invitae), Labcorp
Classification: Uncertain significance. Last evaluated: 2022-12-26. Review status: criteria provided, single submitter. Criteria: Invitae Variant Classification Sherloc (09022015). Collection method: clinical testing. Allele origin: germline.
Comment: This sequence change falls in intron 7 of the CREB3L3 gene. It does not directly change the encoded amino acid sequence of the CREB3L3 protein. It affects a nucleotide within the consensus splice site. This variant is present in population databases (no rsID available, gnomAD no frequency). In summary, the available evidence is currently insufficient to determine the role of this variant in disease. Therefore, it has been classified as a Variant of Uncertain Significance. Variants that disrupt the consensus splice site are a relatively common cause of aberrant splicing (PMID: 17576681, 9536098). Algorithms developed to predict the effect of sequence changes on RNA splicing suggest that this variant may disrupt the consensus splice site. This variant has not been reported in the literature in individuals affected with CREB3L3-related conditions.

Literature cited by the submitters: PubMed 17576681; PubMed 9536098.